The following is an entry in ClinVar:

ClinVar aggregate classification (germline): Uncertain significance (1 of 4 stars; one submission).

gnomAD v4.1: 1 of 1,590,414 alleles (0.000063%); no homozygotes.

Submission:

Ambry Genetics
Classification: Uncertain significance. Last evaluated: 2025-05-02. Review status: criteria provided, single submitter. Criteria: Ambry Variant Classification Scheme 2023. Collection method: clinical testing. Allele origin: germline.
Comment: The p.P580T variant (also known as c.1738C>A), located in coding exon 8 of the RNF43 gene, results from a C to A substitution at nucleotide position 1738. The proline at codon 580 is replaced by threonine, an amino acid with highly similar properties. This amino acid position is conserved. In addition, this alteration is predicted to be tolerated by in silico analysis. Based on the available evidence, the clinical significance of this variant remains unclear.

NM_017763.6(RNF43):c.1738C>A (p.Pro580Thr)

Gene: RNF43 (ring finger protein 43; minus strand). Cytogenetic location: 17q22.
Variant type: single nucleotide variant.
Coding change: c.1738C>A on transcript NM_017763.6 (MANE Select); coding-DNA position 1738, C replaced by A.
Protein change: p.Pro580Thr; replaces proline 580 with threonine.
Molecular consequence: missense variant.
Genome position (GRCh38, 1-based): chr17:58,358,038, G>T on the plus strand (C>A on the coding strand, the complement: RNF43 is on the minus strand). VCF-style: chr17-58358038-G-T. GRCh37 (hg19) VCF-style: chr17-56435399-G-T.
Other names: c.1738C>A, p.Pro580Thr (NM_001305544.3); c.1357C>A, p.Pro453Thr (NM_001305545.2); short protein forms P580T, P453T.
Identifiers: ClinVar variation 3946876 (VCV003946876.1).